The following is an entry in ClinVar:

ClinVar aggregate classification (germline): Uncertain significance. Review status: criteria provided, multiple submitters, no conflicts (2 of 4 stars). 2 submissions from 2 submitters: Uncertain significance (2). Last evaluated 2023-10-23.

Conditions:
Hereditary cancer-predisposing syndrome. Also called: Hereditary Cancer Syndrome; Hereditary neoplastic syndrome; Neoplastic Syndromes, Hereditary; Tumor predisposition. Identifiers: Orphanet 140162, MedGen C0027672, MeSH D009386, MONDO:0015356.

Allele frequency attached by ClinVar (database versions not stated): gnomAD exomes below 0.00001 and 0.00001.
gnomAD v4.1: 4 of 1,608,944 alleles (0.00025%); no homozygotes.

Submissions (2):

Ambry Genetics
Classification: Uncertain significance for Hereditary cancer-predisposing syndrome. Last evaluated: 2023-10-23. Review status: criteria provided, single submitter. Criteria: Ambry Variant Classification Scheme 2023. Collection method: clinical testing. Allele origin: germline.
Comment: The p.K62N variant (also known as c.186A>C), located in coding exon 2 of the RAD50 gene, results from an A to C substitution at nucleotide position 186. The lysine at codon 62 is replaced by asparagine, an amino acid with similar properties. This amino acid position is highly conserved in available vertebrate species. In addition, this alteration is predicted to be tolerated by in silico analysis. Since supporting evidence is limited at this time, the clinical significance of this alteration remains unclear.

Labcorp Genetics (formerly Invitae), Labcorp
Classification: Uncertain significance for Hereditary cancer-predisposing syndrome. Last evaluated: 2023-07-21. Review status: criteria provided, single submitter. Criteria: Invitae Variant Classification Sherloc (09022015). Collection method: clinical testing. Allele origin: germline.
Comment: This sequence change replaces lysine, which is basic and polar, with asparagine, which is neutral and polar, at codon 62 of the RAD50 protein (p.Lys62Asn). This variant is present in population databases (no rsID available, gnomAD 0.02%). This variant has not been reported in the literature in individuals affected with RAD50-related conditions. ClinVar contains an entry for this variant (Variation ID: 408416). Advanced modeling of protein sequence and biophysical properties (such as structural, functional, and spatial information, amino acid conservation, physicochemical variation, residue mobility, and thermodynamic stability) has been performed at Invitae for this missense variant, however the output from this modeling did not meet the statistical confidence thresholds required to predict the impact of this variant on RAD50 protein function. In summary, the available evidence is currently insufficient to determine the role of this variant in disease. Therefore, it has been classified as a Variant of Uncertain Significance.

NM_005732.4(RAD50):c.186A>C (p.Lys62Asn)

Gene: RAD50 (RAD50 double strand break repair protein; plus strand). Cytogenetic location: 5q31.1.
Variant type: single nucleotide variant.
Coding change: c.186A>C on transcript NM_005732.4 (MANE Select); coding-DNA position 186, A replaced by C.
Protein change: p.Lys62Asn; replaces lysine 62 with asparagine.
Molecular consequence: missense variant.
Genome position (GRCh38, 1-based): chr5:132,559,340, A>C. VCF-style: chr5-132559340-A-C. GRCh37 (hg19) VCF-style: chr5-131895032-A-C.
Other names: short protein forms K62N.
Identifiers: ClinVar variation 408416 (VCV000408416.13), dbSNP rs1060501975, ClinGen allele CA16611710.